The following is an entry in ClinVar:

ClinVar aggregate classification (germline): Uncertain significance. Review status: criteria provided, multiple submitters, no conflicts (2 of 4 stars). 3 submissions from 3 submitters: Uncertain significance (2). 1 of the submissions does not count toward it. Last evaluated 2023-06-26.

Conditions:
Hereditary cancer-predisposing syndrome. Also called: Hereditary neoplastic syndrome; Tumor predisposition; Neoplastic Syndromes, Hereditary; Hereditary Cancer Syndrome. Identifiers: Orphanet 140162, MedGen C0027672, MeSH D009386, MONDO:0015356.
Ataxia-telangiectasia syndrome (AT). Also called: Ataxia telangiectasia (A-T); Cerebello-oculocutaneous telangiectasia; Immunodeficiency with ataxia telangiectasia; AT, COMPLEMENTATION GROUP C; ATAXIA-TELANGIECTASIA, COMPLEMENTATION GROUP A; ATAXIA-TELANGIECTASIA, FRESNO VARIANT. Identifiers: Orphanet 100, MedGen C0004135, MONDO:0008840, OMIM 208900.

Submissions (3):

Ambry Genetics
Classification: Uncertain significance for Hereditary cancer-predisposing syndrome. Last evaluated: 2023-06-26. Review status: criteria provided, single submitter. Criteria: Ambry Variant Classification Scheme 2023. Collection method: clinical testing. Allele origin: germline.
Comment: The p.T808I variant (also known as c.2423C>T), located in coding exon 15 of the ATM gene, results from a C to T substitution at nucleotide position 2423. The threonine at codon 808 is replaced by isoleucine, an amino acid with similar properties. This amino acid position is highly conserved in available vertebrate species. This alteration was detected in 1/5589 German BRCA1/2-negative probands with breast cancer (Hauke J et al. Cancer Med, 2018 04;7:1349-1358). In addition, the in silico prediction for this alteration is inconclusive. Since supporting evidence is limited at this time, the clinical significance of this alteration remains unclear.

Labcorp Genetics (formerly Invitae), Labcorp
Classification: Uncertain significance for Ataxia-telangiectasia syndrome. Last evaluated: 2021-08-28. Review status: criteria provided, single submitter. Criteria: Invitae Variant Classification Sherloc (09022015). Collection method: clinical testing. Allele origin: germline.
Comment: This sequence change replaces threonine with isoleucine at codon 808 of the ATM protein (p.Thr808Ile). The threonine residue is moderately conserved and there is a moderate physicochemical difference between threonine and isoleucine. This variant is not present in population databases (ExAC no frequency). This variant has not been reported in the literature in individuals affected with ATM-related conditions. Algorithms developed to predict the effect of missense changes on protein structure and function are either unavailable or do not agree on the potential impact of this missense change (SIFT: "Tolerated"; PolyPhen-2: "Possibly Damaging"; Align-GVGD: "Class C25"). In summary, the available evidence is currently insufficient to determine the role of this variant in disease. Therefore, it has been classified as a Variant of Uncertain Significance.

Natera, Inc.
Classification: Uncertain significance for Ataxia-telangiectasia. Last evaluated: 2021-10-15. Review status: no assertion criteria provided. Collection method: clinical testing. Allele origin: germline. Not counted in ClinVar's aggregate classification.

Literature cited by the submitters: PubMed 29522266 (cited by Ambry Genetics).

NM_000051.4(ATM):c.2423C>T (p.Thr808Ile)

Gene: ATM (ATM serine/threonine kinase; plus strand). Cytogenetic location: 11q22.3.
Variant type: single nucleotide variant.
Coding change: c.2423C>T on transcript NM_000051.4 (MANE Select); coding-DNA position 2423, C replaced by T.
Protein change: p.Thr808Ile; replaces threonine 808 with isoleucine.
Molecular consequence: missense variant.
Genome position (GRCh38, 1-based): chr11:108,259,032, C>T. VCF-style: chr11-108259032-C-T. GRCh37 (hg19) VCF-style: chr11-108129759-C-T.
Other names: c.2423C>T, p.Thr808Ile (NM_001351834.2); short protein forms T808I.
Identifiers: ClinVar variation 858841 (VCV000858841.13), dbSNP rs2080697096, ClinGen allele CA382541253.